The following is an entry in ClinVar:

ClinVar aggregate classification (germline): Uncertain significance (1 of 4 stars; one submission).

Submission:

CeGaT Center for Human Genetics Tuebingen
Classification: Uncertain significance. Last evaluated: 2025-03-01. Review status: criteria provided, single submitter. Criteria: CeGaT Center For Human Genetics Tuebingen Variant Classification Criteria Version 2. Collection method: clinical testing. Allele origin: germline. Affected: yes. Observed: 1 variant allele.
Comment: SHANK3: PM2

NM_001372044.2(SHANK3):c.5009G>C (p.Gly1670Ala)

Gene: SHANK3 (SH3 and multiple ankyrin repeat domains 3; plus strand). Cytogenetic location: 22q13.33.
Variant type: single nucleotide variant.
Coding change: c.5009G>C on transcript NM_001372044.2 (MANE Select); coding-DNA position 5009, G replaced by C.
Protein change: p.Gly1670Ala; replaces glycine 1670 with alanine.
Molecular consequence: missense variant.
Genome position (GRCh38, 1-based): chr22:50,730,900, G>C. VCF-style: chr22-50730900-G-C. GRCh37 (hg19) VCF-style: chr22-51169328-G-C.
Other names: short protein forms G1670A.
Identifiers: ClinVar variation 3778441 (VCV003778441.7).